The following is an entry in ClinVar:

ClinVar aggregate classification (germline): Conflicting classifications of pathogenicity. Review status: criteria provided, conflicting classifications (1 of 4 stars). 2 submissions from 2 submitters: Uncertain significance (1); Likely benign (1). Last evaluated 2025-06-20.

Conditions:
Erythrocytosis, familial, 3 (ECYT3). Identifiers: Orphanet 247511, MedGen C1853286, MONDO:0012353, OMIM 609820.

Submissions (2):

Labcorp Genetics (formerly Invitae), Labcorp
Classification: Uncertain significance for Erythrocytosis, familial, 3. Last evaluated: 2025-06-20. Review status: criteria provided, single submitter. Criteria: Invitae Variant Classification Sherloc (09022015). Collection method: clinical testing. Allele origin: germline.
Comment: This sequence change replaces alanine, which is neutral and non-polar, with threonine, which is neutral and polar, at codon 228 of the EGLN1 protein (p.Ala228Thr). This variant is present in population databases (no rsID available, gnomAD 0.003%). This variant has not been reported in the literature in individuals affected with EGLN1-related conditions. ClinVar contains an entry for this variant (Variation ID: 3274787). An algorithm developed to predict the effect of missense changes on protein structure and function (PolyPhen-2) suggests that this variant is likely to be tolerated. In summary, the available evidence is currently insufficient to determine the role of this variant in disease. Therefore, it has been classified as a Variant of Uncertain Significance.

Ambry Genetics
Classification: Likely benign. Last evaluated: 2024-05-13. Review status: criteria provided, single submitter. Criteria: Ambry Variant Classification Scheme 2023. Collection method: clinical testing. Allele origin: germline.

NM_022051.3(EGLN1):c.682G>A (p.Ala228Thr)

Gene: EGLN1 (egl-9 family hypoxia inducible factor 1; minus strand). Cytogenetic location: 1q42.2.
Variant type: single nucleotide variant.
Coding change: c.682G>A on transcript NM_022051.3 (MANE Select); coding-DNA position 682, G replaced by A.
Protein change: p.Ala228Thr; replaces alanine 228 with threonine.
Molecular consequence: missense variant.
Genome position (GRCh38, 1-based): chr1:231,421,207, C>T on the plus strand (G>A on the coding strand, the complement: EGLN1 is on the minus strand). VCF-style: chr1-231421207-C-T. GRCh37 (hg19) VCF-style: chr1-231556953-C-T.
Other names: c.682G>A, p.Ala228Thr (NM_001377260.1, NM_001377261.1); short protein forms A228T.
Identifiers: ClinVar variation 3274787 (VCV003274787.2).